The following is an entry in ClinVar:

ClinVar aggregate classification (germline): Likely pathogenic. Review status: criteria provided, multiple submitters, no conflicts (2 of 4 stars). 2 submissions from 2 submitters: Likely pathogenic (2). Last evaluated 2022-11-12.

Conditions:
Exostoses, multiple, type 2 (EXT2). Also called: EXOSTOSES, MULTIPLE, TYPE II; Hereditary Multiple Osteochondromatosis, Type II. Identifiers: Orphanet 321, MedGen C1851413, MONDO:0007586, OMIM 133701.

Allele frequency attached by ClinVar (database versions not stated): ExAC 0.00001; gnomAD 0.00001; TOPMed 0.00002.
gnomAD v4.1: 2 of 1,613,866 alleles (0.00012%); highest among the groups gnomAD compares: African/African-American, 0.0027%; no homozygotes.

Submissions (2):

Labcorp Genetics (formerly Invitae), Labcorp
Classification: Likely pathogenic for Exostoses, multiple, type 2. Last evaluated: 2022-11-12. Review status: criteria provided, single submitter. Criteria: Invitae Variant Classification Sherloc (09022015). Collection method: clinical testing. Allele origin: germline.
Comment: This sequence change affects a donor splice site in intron 10 of the EXT2 gene. It is expected to disrupt RNA splicing. Variants that disrupt the donor or acceptor splice site typically lead to a loss of protein function (PMID: 16199547), and loss-of-function variants in EXT2 are known to be pathogenic (PMID: 10679937, 19810120). This variant is present in population databases (rs756921209, gnomAD 0.01%). In summary, the currently available evidence indicates that the variant is pathogenic, but additional data are needed to prove that conclusively. Therefore, this variant has been classified as Likely Pathogenic. Algorithms developed to predict the effect of sequence changes on RNA splicing suggest that this variant may disrupt the consensus splice site. Disruption of this splice site has been observed in individual(s) with brain cancer (PMID: 29625052).

Baylor Genetics
Classification: Likely pathogenic for Exostoses, multiple, type 2. Last evaluated: 2022-10-16. Review status: criteria provided, single submitter. Criteria: ACMG Guidelines, 2015. Collection method: clinical testing. Allele origin: unknown.

Literature cited by the submitters: PubMed 16199547 (cited by Labcorp Genetics (formerly Invitae), Labcorp); PubMed 10679937 (cited by Labcorp Genetics (formerly Invitae), Labcorp); PubMed 19810120 (cited by Labcorp Genetics (formerly Invitae), Labcorp); PubMed 29625052 (cited by Labcorp Genetics (formerly Invitae), Labcorp).

NM_207122.2(EXT2):c.1662+1G>C

Gene: EXT2 (exostosin glycosyltransferase 2; plus strand). Cytogenetic location: 11p11.2.
Variant type: single nucleotide variant.
Coding change: c.1662+1G>C on transcript NM_207122.2 (MANE Select); the canonical splice donor site of the intron after coding-DNA position 1662, G replaced by C.
Molecular consequence: splice donor variant.
Genome position (GRCh38, 1-based): chr11:44,206,960, G>C. VCF-style: chr11-44206960-G-C. GRCh37 (hg19) VCF-style: chr11-44228510-G-C.
Other names: c.1662+1G>C (NM_001389630.1, NM_001389628.1); c.1692+1G>C (NM_001178083.3); c.1761+1G>C (NM_000401.3).
Identifiers: ClinVar variation 2675230 (VCV002675230.4), dbSNP rs756921209, ClinGen allele CA5955310.